The following is an entry in ClinVar:

ClinVar aggregate classification (germline): Likely benign. Review status: criteria provided, multiple submitters, no conflicts (2 of 4 stars). 4 submissions from 4 submitters: Likely benign (3). 1 of the submissions does not count toward it. Last evaluated 2026-04-01.

Conditions:
CD55-related disorder. Also called: CD55-related condition.

Allele frequency attached by ClinVar (database versions not stated): gnomAD exomes 0.00003 and 0.00010; ExAC 0.00012; ESP Exome Variant Server 0.00023; TOPMed 0.00038; 1000 Genomes Project 0.00040; gnomAD 0.00044 and 0.00046; 1000 Genomes Project 30x 0.00047.
gnomAD v4.1: 109 of 1,613,098 alleles (0.0068%); highest among the groups gnomAD compares: African/African-American, 0.13%; no homozygotes.

Submissions (4):

CeGaT Center for Human Genetics Tuebingen
Classification: Likely benign. Last evaluated: 2026-04-01. Review status: criteria provided, single submitter. Criteria: CeGaT Center For Human Genetics Tuebingen Variant Classification Criteria Version 2. Collection method: clinical testing. Allele origin: germline. Affected: yes. Observed: 1 variant allele.
Comment: CD55: BP4, BP7

Labcorp Genetics (formerly Invitae), Labcorp
Classification: Likely benign. Last evaluated: 2025-12-17. Review status: criteria provided, single submitter. Criteria: Invitae Variant Classification Sherloc (09022015). Collection method: clinical testing. Allele origin: germline.

Blueprint Genetics
Classification: Likely benign. Last evaluated: 2021-07-19. Review status: criteria provided, single submitter. Criteria: ACMG Guidelines, 2015. Collection method: clinical testing. Allele origin: germline.

PreventionGenetics, part of Exact Sciences
Classification: Likely benign for CD55-related condition. Last evaluated: 2022-03-11. Review status: no assertion criteria provided. Collection method: clinical testing. Allele origin: germline. Not counted in ClinVar's aggregate classification.
Comment: This variant is classified as likely benign based on ACMG/AMP sequence variant interpretation guidelines (Richards et al. 2015 PMID: 25741868, with internal and published modifications).

NM_000574.5(CD55):c.651G>A (p.Leu217=)

Gene: CD55 (CD55 molecule (Cromer blood group); plus strand). Cytogenetic location: 1q32.2.
Variant type: single nucleotide variant.
Coding change: c.651G>A on transcript NM_000574.5 (MANE Select); coding-DNA position 651, G replaced by A.
Protein change: p.Leu217=; no amino-acid change (leucine 217 retained).
Molecular consequence: synonymous variant. On other transcripts: non-coding transcript variant (1).
Genome position (GRCh38, 1-based): chr1:207,326,824, G>A. VCF-style: chr1-207326824-G-A. GRCh37 (hg19) VCF-style: chr1-207500169-G-A.
Other names: c.651G>A, p.Leu217= (NM_001114752.3, NM_001300902.2, NM_001300903.2 and 1 more transcripts); c.651G>A (NM_000574.4).
Identifiers: ClinVar variation 1142291 (VCV001142291.14), dbSNP rs150286783, ClinGen allele CA1368056.